The following is an entry in ClinVar:

ClinVar aggregate classification (germline): Uncertain significance (1 of 4 stars; one submission).

Conditions:
Familial thoracic aortic aneurysm and aortic dissection (TAAD). Also called: Thoracic aortic aneurysms and dissections. Identifiers: Orphanet 91387, MedGen C4707243, MONDO:0019625.

Submission:

All of Us Research Program, National Institutes of Health
Classification: Uncertain significance for Familial thoracic aortic aneurysm and aortic dissection. Last evaluated: 2023-08-15. Review status: criteria provided, single submitter. Criteria: ACMG Guidelines, 2015. Collection method: clinical testing. Allele origin: germline. Inheritance: Autosomal dominant inheritance. Observed: 1 variant allele, 1 heterozygote.
Comment: This missense variant replaces phenylalanine with serine at codon 731 of the MYH11 protein. Computational prediction suggests that this variant may have deleterious impact on protein structure and function (internally defined REVEL score threshold >= 0.7, PMID: 27666373). To our knowledge, functional studies have not been reported for this variant. This variant has not been reported in individuals affected with MYH11-related disorders in the literature. This variant has not been identified in the general population by the Genome Aggregation Database (gnomAD). The available evidence is insufficient to determine the role of this variant in disease conclusively. Therefore, this variant is classified as a Variant of Uncertain Significance.

This study involves interpretation of variants in research participants for the purpose of population health screening. Participant phenotype was not available at the time of variant classification. Additional details can be found in publication PMID: 35346344, PMCID: PMC8962531

NM_002474.3(MYH11):c.2171T>C (p.Phe724Ser)

Gene: MYH11 (myosin heavy chain 11; minus strand). Cytogenetic location: 16p13.11.
Variant type: single nucleotide variant.
Coding change: c.2171T>C on transcript NM_002474.3 (MANE Select); coding-DNA position 2171, T replaced by C.
Protein change: p.Phe724Ser; replaces phenylalanine 724 with serine.
Molecular consequence: missense variant.
Genome position (GRCh38, 1-based): chr16:15,748,056, A>G on the plus strand (T>C on the coding strand, the complement: MYH11 is on the minus strand). VCF-style: chr16-15748056-A-G. GRCh37 (hg19) VCF-style: chr16-15841913-A-G.
Other names: c.2192T>C, p.Phe731Ser (NM_001040114.2, NM_001040113.2); c.2171T>C, p.Phe724Ser (NM_022844.3); short protein forms F724S, F731S.
Identifiers: ClinVar variation 3072982 (VCV003072982.1), dbSNP rs2506273364, ClinGen allele CA394867947.